The following is an entry in ClinVar:

NM_001128205.2(SULF1):c.1318C>T (p.Arg440Trp)

Gene: SULF1 (sulfatase 1; plus strand). Cytogenetic location: 8q13.3.
Variant type: single nucleotide variant.
Coding change: c.1318C>T on transcript NM_001128205.2 (MANE Select); coding-DNA position 1318, C replaced by T.
Protein change: p.Arg440Trp; replaces arginine 440 with tryptophan.
Molecular consequence: missense variant. On other transcripts: 5 prime UTR variant (1), non-coding transcript variant (7).
Genome position (GRCh38, 1-based): chr8:69,604,873, C>T. VCF-style: chr8-69604873-C-T. GRCh37 (hg19) VCF-style: chr8-70517108-C-T.
Other names: c.1318C>T, p.Arg440Trp (NM_001128204.2, NM_001128206.2, NM_001412828.1 and 10 more transcripts); c.1189C>T, p.Arg397Trp (NM_001412832.1, NM_001412838.1, NM_001412839.1 and 1 more transcripts); c.1261C>T, p.Arg421Trp (NM_001412836.1, NM_001412837.1); c.1132C>T, p.Arg378Trp (NM_001412841.1, NM_001412842.1); c.718C>T, p.Arg240Trp (NM_001412844.1, NM_001412845.1); c.-474C>T (NM_001412846.1); short protein forms R240W, R397W, R421W, R440W, R378W.
Identifiers: ClinVar variation 2905388 (VCV002905388.3), dbSNP rs780560683, ClinGen allele CA4775851.

ClinVar aggregate classification (germline): Uncertain significance (1 of 4 stars; one submission).

Allele frequency attached by ClinVar (database versions not stated): TOPMed 0.00001; ExAC 0.00004.
gnomAD v4.1: 17 of 1,614,182 alleles (0.0011%); highest among the groups gnomAD compares: Admixed American, 0.0017%; 1 homozygote.

Submission:

Labcorp Genetics (formerly Invitae), Labcorp
Classification: Uncertain significance. Last evaluated: 2025-09-03. Review status: criteria provided, single submitter. Criteria: Invitae Variant Classification Sherloc (09022015). Collection method: clinical testing. Allele origin: germline.
Comment: This sequence change replaces arginine, which is basic and polar, with tryptophan, which is neutral and slightly polar, at codon 440 of the SULF1 protein (p.Arg440Trp). This variant is present in population databases (rs780560683, gnomAD 0.004%). This variant has not been reported in the literature in individuals affected with SULF1-related conditions. ClinVar contains an entry for this variant (Variation ID: 2905388). An algorithm developed to predict the effect of missense changes on protein structure and function (PolyPhen-2) suggests that this variant is likely to be disruptive. In summary, the available evidence is currently insufficient to determine the role of this variant in disease. Therefore, it has been classified as a Variant of Uncertain Significance.